The following is an entry in ClinVar:

NM_000069.3(CACNA1S):c.2888T>C (p.Met963Thr)

Gene: CACNA1S (calcium voltage-gated channel subunit alpha1 S; minus strand). Cytogenetic location: 1q32.1.
Variant type: single nucleotide variant.
Coding change: c.2888T>C on transcript NM_000069.3 (MANE Select); coding-DNA position 2888, T replaced by C.
Protein change: p.Met963Thr; replaces methionine 963 with threonine.
Molecular consequence: missense variant.
Genome position (GRCh38, 1-based): chr1:201,062,480, A>G on the plus strand (T>C on the coding strand, the complement: CACNA1S is on the minus strand). VCF-style: chr1-201062480-A-G. GRCh37 (hg19) VCF-style: chr1-201031608-A-G.
Other names: short protein forms M963T.
Identifiers: ClinVar variation 948957 (VCV000948957.9), dbSNP rs895181258, ClinGen allele CA36008369.
Genomic context (GRCh38, chr1:201,062,480, plus strand): 5'-CCTGCCCCGTGACCGTCCCACTGTGCTCCCTGCCCCATGTACCTGCACTCCTCCTCTGTC[A>G]TCTTGGACAAGTCGGTGCACCTGAAGAACTTCCCCTGCAGCCAGGAAGAGGGAGGGAGGG-3'
Protein context (NP_000060.2, residues 953-973): KFFRCTDLSK[Met963Thr]TEEECRGYYY

ClinVar aggregate classification (germline): Uncertain significance. Review status: criteria provided, multiple submitters, no conflicts (2 of 4 stars). 2 submissions from 2 submitters: Uncertain significance (2). Last evaluated 2023-11-27.

Conditions:
Malignant hyperthermia, susceptibility to, 5 (MHS5). Also called: CACNA1S-Related Malignant Hyperthermia Susceptibility. Identifiers: Orphanet 423, MedGen C1866077, MONDO:0011163, OMIM 601887.
Hypokalemic periodic paralysis, type 1. Also called: HypoPP; Hypokalemic Periodic Paralysis Type 1 (AD). Identifiers: Orphanet 681, MedGen C3714580, MONDO:0042979, OMIM 170400.

Allele frequency attached by ClinVar (database versions not stated): gnomAD exomes below 0.00001; TOPMed 0.00001.

Submissions (2):

Labcorp Genetics (formerly Invitae), Labcorp
Classification: Uncertain significance for Hypokalemic periodic paralysis, type 1; Malignant hyperthermia, susceptibility to, 5. Last evaluated: 2023-11-27. Review status: criteria provided, single submitter. Criteria: Invitae Variant Classification Sherloc (09022015). Collection method: clinical testing. Allele origin: germline.
Comment: This sequence change replaces methionine, which is neutral and non-polar, with threonine, which is neutral and polar, at codon 963 of the CACNA1S protein (p.Met963Thr). This variant is not present in population databases (gnomAD no frequency). This variant has not been reported in the literature in individuals affected with CACNA1S-related conditions. ClinVar contains an entry for this variant (Variation ID: 948957). Advanced modeling of protein sequence and biophysical properties (such as structural, functional, and spatial information, amino acid conservation, physicochemical variation, residue mobility, and thermodynamic stability) performed at Invitae indicates that this missense variant is not expected to disrupt CACNA1S protein function with a negative predictive value of 80%. In summary, the available evidence is currently insufficient to determine the role of this variant in disease. Therefore, it has been classified as a Variant of Uncertain Significance.

All of Us Research Program, National Institutes of Health
Classification: Uncertain significance for Malignant hyperthermia, susceptibility to, 5. Last evaluated: 2023-06-26. Review status: criteria provided, single submitter. Criteria: ACMG Guidelines, 2015. Collection method: clinical testing. Allele origin: germline. Inheritance: Autosomal dominant inheritance. Observed: 1 variant allele, 1 heterozygote.
Comment: This missense variant replaces methionine with threonine at codon 963 of the CACNA1S protein. Computational prediction suggests that this variant may not impact protein structure and function (internally defined REVEL score threshold <= 0.5, PMID: 27666373). To our knowledge, functional studies have not been reported for this variant. This variant has not been reported in individuals affected with CACNA1S-related disorders in the literature. This variant has not been identified in the general population by the Genome Aggregation Database (gnomAD). The available evidence is insufficient to determine the role of this variant in disease conclusively. Therefore, this variant is classified as a Variant of Uncertain Significance.

This study involves interpretation of variants in research participants for the purpose of population health screening. Participant phenotype was not available at the time of variant classification. Additional details can be found in publication PMID: 35346344, PMCID: PMC8962531